The following is an entry in ClinVar:

NM_000719.7(CACNA1C):c.1381C>G (p.Pro461Ala)

Gene: CACNA1C (calcium voltage-gated channel subunit alpha1 C; plus strand). Cytogenetic location: 12p13.33.
Variant type: single nucleotide variant.
Coding change: c.1381C>G on transcript NM_000719.7 (MANE Select); coding-DNA position 1381, C replaced by G.
Protein change: p.Pro461Ala; replaces proline 461 with alanine.
Molecular consequence: missense variant.
Genome position (GRCh38, 1-based): chr12:2,512,975, C>G. VCF-style: chr12-2512975-C-G. GRCh37 (hg19) VCF-style: chr12-2622141-C-G.
Other names: c.1381C>G, p.Pro461Ala (NM_001129829.2, NM_001129830.3, NM_001129831.2 and 18 more transcripts); c.1372C>G, p.Pro458Ala (NM_001129844.2); short protein forms P458A, P461A.
Identifiers: ClinVar variation 1302284 (VCV001302284.3), dbSNP rs776242172, ClinGen allele CA383367590.

ClinVar aggregate classification (germline): Uncertain significance. Review status: criteria provided, multiple submitters, no conflicts (2 of 4 stars). 2 submissions from 2 submitters: Uncertain significance (2). Last evaluated 2021-08-27.

Conditions:
Brugada syndrome 3 (BRGDA3). Identifiers: Orphanet 130, MedGen C2678478, MONDO:0012742, OMIM 611875.
Timothy syndrome (TS). Also called: LONG QT SYNDROME WITH SYNDACTYLY. Identifiers: Orphanet 65283, MedGen C1832916, MeSH C536962, MONDO:0010979, OMIM 601005.
Long QT syndrome 8. Identifiers: MedGen CN260585, MONDO:0032756, OMIM 618447.

gnomAD v4.1: 1 of 1,602,278 alleles (0.000062%); highest among the groups gnomAD compares: South Asian, 0.0011%; no homozygotes.

Submissions (2):

Fulgent Genetics
Classification: Uncertain significance for Timothy syndrome; Brugada syndrome 3; Long QT syndrome 8. Last evaluated: 2021-08-27. Review status: criteria provided, single submitter. Criteria: ACMG Guidelines, 2015. Collection method: clinical testing. Allele origin: unknown.

GeneDx
Classification: Uncertain significance. Last evaluated: 2019-07-07. Review status: criteria provided, single submitter. Criteria: GeneDx Variant Classification Process June 2021. Collection method: clinical testing. Allele origin: germline. Affected: yes.
Comment: Not observed in large population cohorts (Lek et al., 2016); In silico analysis, which includes protein predictors and evolutionary conservation, supports a deleterious effect; Has not been previously published as pathogenic or benign to our knowledge